The following is an entry in ClinVar:

NM_206933.4(USH2A):c.14065A>G (p.Ile4689Val)

Gene: USH2A (usherin; minus strand). Cytogenetic location: 1q41.
Variant type: single nucleotide variant.
Coding change: c.14065A>G on transcript NM_206933.4 (MANE Select); coding-DNA position 14065, A replaced by G.
Protein change: p.Ile4689Val; replaces isoleucine 4689 with valine.
Molecular consequence: missense variant.
Genome position (GRCh38, 1-based): chr1:215,671,040, T>C on the plus strand (A>G on the coding strand, the complement: USH2A is on the minus strand). VCF-style: chr1-215671040-T-C. GRCh37 (hg19) VCF-style: chr1-215844382-T-C.
Other names: c.14065A>G (NM_206933.2); short protein forms I4689V.
Identifiers: ClinVar variation 1358802 (VCV001358802.5), dbSNP rs375971791, ClinGen allele CA1393157.

ClinVar aggregate classification (germline): Uncertain significance. Review status: criteria provided, multiple submitters, no conflicts (2 of 4 stars). 3 submissions from 3 submitters: Uncertain significance (3). Last evaluated 2026-08-27.

Conditions:
Inborn genetic diseases. Identifiers: MedGen C0950123, MeSH D030342.

Allele frequency attached by ClinVar (database versions not stated): gnomAD 0.00001; TOPMed 0.00001; gnomAD exomes 0.00002 and 0.00001; ExAC 0.00003; ESP Exome Variant Server 0.00008.
gnomAD v4.1: 11 of 1,614,062 alleles (0.00068%); highest among the groups gnomAD compares: Middle Eastern, 0.082%; no homozygotes.

Submissions (3):

Ambry Genetics
Classification: Uncertain significance for Inborn genetic diseases. Last evaluated: 2026-08-27. Review status: criteria provided, single submitter. Criteria: Ambry Variant Classification Scheme 2023. Collection method: clinical testing. Allele origin: germline.

Blueprint Genetics
Classification: Uncertain significance. Last evaluated: 2024-07-09. Review status: criteria provided, single submitter. Criteria: ACMG Guidelines, 2015. Collection method: clinical testing. Allele origin: germline.

Labcorp Genetics (formerly Invitae), Labcorp
Classification: Uncertain significance. Last evaluated: 2022-07-06. Review status: criteria provided, single submitter. Criteria: Invitae Variant Classification Sherloc (09022015). Collection method: clinical testing. Allele origin: germline.
Comment: This sequence change replaces isoleucine, which is neutral and non-polar, with valine, which is neutral and non-polar, at codon 4689 of the USH2A protein (p.Ile4689Val). This variant is present in population databases (rs375971791, gnomAD 0.003%). This variant has not been reported in the literature in individuals affected with USH2A-related conditions. ClinVar contains an entry for this variant (Variation ID: 1358802). Algorithms developed to predict the effect of missense changes on protein structure and function (SIFT, PolyPhen-2, Align-GVGD) all suggest that this variant is likely to be tolerated. In summary, the available evidence is currently insufficient to determine the role of this variant in disease. Therefore, it has been classified as a Variant of Uncertain Significance.